The following is an entry in ClinVar:

ClinVar aggregate classification (germline): Pathogenic (0 of 4 stars; one submission).

Submission:

ISCA site 4
Classification: Pathogenic. Last evaluated: 2011-08-11. Review status: no assertion criteria provided. Collection method: clinical testing. Allele origin: unknown. Affected: yes. Observed: 1 variant allele.
Comment: Copy number variation identified through the course of routine clinical cytogenomic testing in postnatal populations. Clinical assertions have been curated as described in Kaminsky et al. 2011.

Copy number variation identified through the course of routine clinical cytogenomic testing in postnatal populations. Clinical assertions have been curated as described in Kaminsky, et al. 2011 (PubMed 21844811). For additional ClinGen data, please see nstd37.

GRCh38/hg38 8p23.1(chr8:7411297-12182465)x3

Genes: BLK (BLK proto-oncogene, Src family tyrosine kinase), BLK-AS1 (BLK antisense RNA 1), C8orf74 (chromosome 8 open reading frame 74), CLDN23 (claudin 23), CRE3 (CRE3 CAGE-defined tissue-specific enhancer) and 240 more. Cytogenetic location: 8p23.1.
Variant type: copy number gain.
Change: copy number 3 (three copies instead of two) of chr8:7,411,297-12,182,465 (4.77 Mb, GRCh38 coordinates, 1-based), cytogenetic band 8p23.1.
Identifiers: ClinVar variation 57482 (VCV000057482.2).